The following is an entry in ClinVar:

ClinVar aggregate classification (germline): Conflicting classifications of pathogenicity. Review status: criteria provided, conflicting classifications (1 of 4 stars). 2 submissions from 2 submitters: Pathogenic (1); Uncertain significance (1). Last evaluated 2024-10-25.

Submissions (2):

Labcorp Genetics (formerly Invitae), Labcorp
Classification: Pathogenic. Last evaluated: 2024-10-25. Review status: criteria provided, single submitter. Criteria: Invitae Variant Classification Sherloc (09022015). Collection method: clinical testing. Allele origin: germline.
Comment: This sequence change affects an acceptor splice site in intron 76 of the ADGRV1 gene. It is expected to disrupt RNA splicing. Variants that disrupt the donor or acceptor splice site typically lead to a loss of protein function (PMID: 16199547), and loss-of-function variants in ADGRV1 are known to be pathogenic (PMID: 19357117, 22135276, 22147658, 26226137, 30718709, 31047384, 32467589). This variant is not present in population databases (gnomAD no frequency). Disruption of this splice site has been observed in individual(s) with deafness (internal data). In at least one individual the data is consistent with being in trans (on the opposite chromosome) from a pathogenic variant. ClinVar contains an entry for this variant (Variation ID: 1454455). Algorithms developed to predict the effect of sequence changes on RNA splicing suggest that this variant may disrupt the consensus splice site. For these reasons, this variant has been classified as Pathogenic.

Blueprint Genetics
Classification: Uncertain significance. Last evaluated: 2019-04-09. Review status: criteria provided, single submitter. Criteria: ACMG Guidelines, 2015. Collection method: clinical testing. Allele origin: germline.

Literature cited by the submitters: PubMed 16199547 (cited by Labcorp Genetics (formerly Invitae), Labcorp); PubMed 19357117 (cited by Labcorp Genetics (formerly Invitae), Labcorp); PubMed 22135276 (cited by Labcorp Genetics (formerly Invitae), Labcorp); PubMed 22147658 (cited by Labcorp Genetics (formerly Invitae), Labcorp); PubMed 26226137 (cited by Labcorp Genetics (formerly Invitae), Labcorp); PubMed 30718709 (cited by Labcorp Genetics (formerly Invitae), Labcorp); PubMed 31047384 (cited by Labcorp Genetics (formerly Invitae), Labcorp); PubMed 32467589 (cited by Labcorp Genetics (formerly Invitae), Labcorp).

NM_032119.4(ADGRV1):c.16369-2A>G

Gene: ADGRV1 (adhesion G protein-coupled receptor V1; plus strand). Cytogenetic location: 5q14.3.
Variant type: single nucleotide variant.
Coding change: c.16369-2A>G on transcript NM_032119.4 (MANE Select); the canonical splice acceptor site of the intron before coding-DNA position 16369, A replaced by G.
Molecular consequence: splice acceptor variant.
Genome position (GRCh38, 1-based): chr5:90,828,942, A>G. VCF-style: chr5-90828942-A-G. GRCh37 (hg19) VCF-style: chr5-90124759-A-G.
Identifiers: ClinVar variation 1454455 (VCV001454455.7), dbSNP rs2150320461, ClinGen allele CA360426593.